The following is an entry in ClinVar:

NM_032043.3(BRIP1):c.1900C>T (p.Gln634Ter)

Gene: BRIP1 (BRCA1 interacting DNA helicase 1; minus strand). Cytogenetic location: 17q23.2.
Variant type: single nucleotide variant.
Coding change: c.1900C>T on transcript NM_032043.3 (MANE Select); coding-DNA position 1900, C replaced by T.
Protein change: p.Gln634Ter; replaces glutamine 634 with a stop codon.
Molecular consequence: nonsense.
Genome position (GRCh38, 1-based): chr17:61,780,296, G>A on the plus strand (C>T on the coding strand, the complement: BRIP1 is on the minus strand). VCF-style: chr17-61780296-G-A. GRCh37 (hg19) VCF-style: chr17-59857657-G-A.
Other names: short protein forms Q634*.
Identifiers: ClinVar variation 2584157 (VCV002584157.2), dbSNP rs2145076139, ClinGen allele CA400479287.

ClinVar aggregate classification (germline): Pathogenic (1 of 4 stars; one submission).

Conditions:
Familial cancer of breast. Also called: BREAST CANCER, FAMILIAL; hereditary breast carcinoma; Hereditary breast cancer. Identifiers: Orphanet 227535, MedGen C0346153, MONDO:0016419, OMIM 114480. Disease mechanism: loss of function.

Submission:

Myriad Genetics, Inc.
Classification: Pathogenic for Familial cancer of breast. Last evaluated: 2023-06-05. Review status: criteria provided, single submitter. Criteria: Myriad Autosomal Dominant, Autosomal Recessive and X-Linked Classification Criteria (2023). Collection method: clinical testing. Allele origin: unknown.
Comment: This variant is considered pathogenic. This variant creates a termination codon and is predicted to result in premature protein truncation.